The following is an entry in ClinVar:

NM_015512.5(DNAH1):c.5479C>T (p.Arg1827Cys)

Gene: DNAH1 (dynein axonemal heavy chain 1; plus strand). Cytogenetic location: 3p21.1.
Variant type: single nucleotide variant.
Coding change: c.5479C>T on transcript NM_015512.5 (MANE Select); coding-DNA position 5479, C replaced by T.
Protein change: p.Arg1827Cys; replaces arginine 1827 with cysteine.
Molecular consequence: missense variant.
Genome position (GRCh38, 1-based): chr3:52,364,980, C>T. VCF-style: chr3-52364980-C-T. GRCh37 (hg19) VCF-style: chr3-52398996-C-T.
Other names: short protein forms R1827C.
Identifiers: ClinVar variation 849741 (VCV000849741.6), dbSNP rs765753155, ClinGen allele CA2434215.

ClinVar aggregate classification (germline): Uncertain significance (1 of 4 stars; one submission).

Conditions:
Spermatogenic failure 18. Identifiers: MedGen C4539783, MONDO:0054615, OMIM 617576.
Ciliary dyskinesia, primary, 37 (CILD37). Also called: CILIARY DYSKINESIA, PRIMARY, 37, WITH OR WITHOUT SITUS INVERSUS. Identifiers: MedGen C4539798, MONDO:0033204, OMIM 617577.

Allele frequency attached by ClinVar (database versions not stated): gnomAD 0.00001 and below 0.00001; TOPMed 0.00002; gnomAD exomes 0.00011 and 0.00006; ExAC 0.00013.
gnomAD v4.1: 91 of 1,613,444 alleles (0.0056%); highest among the groups gnomAD compares: South Asian, 0.088%; 1 homozygote.

Submission:

Labcorp Genetics (formerly Invitae), Labcorp
Classification: Uncertain significance for Ciliary dyskinesia, primary, 37; Spermatogenic failure 18. Last evaluated: 2025-08-06. Review status: criteria provided, single submitter. Criteria: Invitae Variant Classification Sherloc (09022015). Collection method: clinical testing. Allele origin: germline.
Comment: This sequence change replaces arginine, which is basic and polar, with cysteine, which is neutral and slightly polar, at codon 1827 of the DNAH1 protein (p.Arg1827Cys). This variant is present in population databases (rs765753155, gnomAD 0.08%). This variant has not been reported in the literature in individuals affected with DNAH1-related conditions. ClinVar contains an entry for this variant (Variation ID: 849741). Invitae Evidence Modeling of protein sequence and biophysical properties (such as structural, functional, and spatial information, amino acid conservation, physicochemical variation, residue mobility, and thermodynamic stability) indicates that this missense variant is not expected to disrupt DNAH1 protein function with a negative predictive value of 80%. In summary, the available evidence is currently insufficient to determine the role of this variant in disease. Therefore, it has been classified as a Variant of Uncertain Significance.